The following is an entry in ClinVar:

NM_000038.6(APC):c.67C>G (p.Leu23Val)

Gene: APC (APC regulator of Wnt signaling pathway; plus strand). Cytogenetic location: 5q22.2.
Variant type: single nucleotide variant.
Coding change: c.67C>G on transcript NM_000038.6 (MANE Select); coding-DNA position 67, C replaced by G.
Protein change: p.Leu23Val; replaces leucine 23 with valine.
Molecular consequence: missense variant. On other transcripts: 5 prime UTR variant (1), intron variant (8).
Genome position (GRCh38, 1-based): chr5:112,754,957, C>G. VCF-style: chr5-112754957-C-G. GRCh37 (hg19) VCF-style: chr5-112090654-C-G.
Other names: c.67C>G, p.Leu23Val (NM_001354903.2, NM_001127510.3, NM_001354895.2 and 2 more transcripts); c.-969C>G (NM_001354906.2); c.166-11369C>G (NM_001354897.2, NM_001354902.2, NM_001127511.3); c.-42-11369C>G (NM_001354901.2, NM_001354905.2, NM_001354900.2); c.61-11369C>G (NM_001354898.2, NM_001354904.2); short protein forms L23V.
Identifiers: ClinVar variation 486734 (VCV000486734.25), dbSNP rs372367350, ClinGen allele CA046202.
Genomic context (GRCh38, chr5:112,754,957, plus strand): 5'-GCAGCTTCATATGATCAGTTGTTAAAGCAAGTTGAGGCACTGAAGATGGAGAACTCAAAT[C>G]TTCGACAAGAGCTAGAAGATAATTCCAATCATCTTACAAAACTGGAAACTGAGGCATCTA-3'
Protein context (NP_000029.2, residues 13-33): VEALKMENSN[Leu23Val]RQELEDNSNH

ClinVar aggregate classification (germline): Uncertain significance. Review status: criteria provided, multiple submitters, no conflicts (2 of 4 stars). 7 submissions from 7 submitters: Uncertain significance (7). Last evaluated 2025-11-17.

Conditions:
Classic or attenuated familial adenomatous polyposis. Identifiers: MedGen CN372698, MONDO:0021057.
APC-related disorder. Also called: APC-related condition.
Hereditary cancer-predisposing syndrome. Also called: Tumor predisposition; Hereditary Cancer Syndrome; Hereditary neoplastic syndrome; Neoplastic Syndromes, Hereditary. Identifiers: Orphanet 140162, MedGen C0027672, MeSH D009386, MONDO:0015356.
Familial adenomatous polyposis 1 (FAP1). Also called: FAMILIAL ADENOMATOUS POLYPOSIS 1, ATTENUATED; POLYPOSIS, ADENOMATOUS INTESTINAL. Identifiers: MedGen C2713442, MONDO:0021056, OMIM 175100. Disease mechanism: loss of function.

Allele frequency attached by ClinVar (database versions not stated): ExAC 0.00001; gnomAD 0.00001; gnomAD exomes 0.00001; TOPMed 0.00001; ESP Exome Variant Server 0.00008.
gnomAD v4.1: 5 of 1,613,740 alleles (0.00031%); highest among the groups gnomAD compares: Non-Finnish European, 0.00042%; no homozygotes.

Submissions (7):

Labcorp Genetics (formerly Invitae), Labcorp
Classification: Uncertain significance for Familial adenomatous polyposis 1. Last evaluated: 2025-11-17. Review status: criteria provided, single submitter. Criteria: Invitae Variant Classification Sherloc (09022015). Collection method: clinical testing. Allele origin: germline.
Comment: This sequence change replaces leucine, which is neutral and non-polar, with valine, which is neutral and non-polar, at codon 23 of the APC protein (p.Leu23Val). This variant is present in population databases (rs372367350, gnomAD 0.002%). This variant has not been reported in the literature in individuals affected with APC-related conditions. ClinVar contains an entry for this variant (Variation ID: 486734). Invitae Evidence Modeling of protein sequence and biophysical properties (such as structural, functional, and spatial information, amino acid conservation, physicochemical variation, residue mobility, and thermodynamic stability) indicates that this missense variant is not expected to disrupt APC protein function with a negative predictive value of 95%. In summary, the available evidence is currently insufficient to determine the role of this variant in disease. Therefore, it has been classified as a Variant of Uncertain Significance.

All of Us Research Program, National Institutes of Health
Classification: Uncertain significance for Classic or attenuated familial adenomatous polyposis. Last evaluated: 2024-03-04. Review status: criteria provided, single submitter. Criteria: ACMG Guidelines, 2015. Collection method: clinical testing. Allele origin: germline. Inheritance: Autosomal dominant inheritance. Observed: 1 variant allele, 1 heterozygote.
Comment: This missense variant replaces leucine with valine at codon 23 of the APC protein. Computational prediction suggests that this variant may not impact protein structure and function (internally defined REVEL score threshold <= 0.5, PMID: 27666373). To our knowledge, functional studies have not been reported for this variant. This variant has not been reported in individuals affected with hereditary cancer in the literature. This variant has been identified in 2/251274 chromosomes in the general population by the Genome Aggregation Database (gnomAD). The available evidence is insufficient to determine the role of this variant in disease conclusively. Therefore, this variant is classified as a Variant of Uncertain Significance.

This study involves interpretation of variants in research participants for the purpose of population health screening. Participant phenotype was not available at the time of variant classification. Additional details can be found in publication PMID: 35346344, PMCID: PMC8962531

Color Diagnostics, LLC DBA Color Health
Classification: Uncertain significance for Hereditary cancer-predisposing syndrome. Last evaluated: 2024-02-26. Review status: criteria provided, single submitter. Criteria: ACMG Guidelines, 2015. Collection method: clinical testing. Allele origin: germline.
Comment: This missense variant replaces leucine with valine at codon 23 of the APC protein. Computational prediction suggests that this variant may not impact protein structure and function (internally defined REVEL score threshold <= 0.5, PMID: 27666373). To our knowledge, functional studies have not been reported for this variant. This variant has not been reported in individuals affected with APC-related disorders in the literature. In a colorectal cancer case-control study, this variant was not identified in affected cases, but was in unaffected controls (PMID: 30267214). This variant has been identified in 2/251274 chromosomes in the general population by the Genome Aggregation Database (gnomAD). The available evidence is insufficient to determine the role of this variant in disease conclusively. Therefore, this variant is classified as a Variant of Uncertain Significance.

Ambry Genetics
Classification: Uncertain significance for Hereditary cancer-predisposing syndrome. Last evaluated: 2024-02-22. Review status: criteria provided, single submitter. Criteria: Ambry Variant Classification Scheme 2023. Collection method: clinical testing. Allele origin: germline.
Comment: The p.L23V variant (also known as c.67C>G), located in coding exon 1 of the APC gene, results from a C to G substitution at nucleotide position 67. The leucine at codon 23 is replaced by valine, an amino acid with highly similar properties. In one study, this variant was detected in 0/165 colorectal cancer and/or polyposis patients and was identified in control individual(s) from a healthy population database (Rosenthal EA et al. Hum Genet, 2018 Oct;137:795-806). This amino acid position is highly conserved in available vertebrate species. In addition, in silico predictors for this gene do not accurately predict pathogenicity. Since supporting evidence is limited at this time, the clinical significance of this alteration remains unclear.

GeneDx
Classification: Uncertain significance. Last evaluated: 2023-11-06. Review status: criteria provided, single submitter. Criteria: GeneDx Variant Classification Process June 2021. Collection method: clinical testing. Allele origin: germline. Affected: yes.
Comment: Not observed at significant frequency in large population cohorts (gnomAD); In silico analysis supports that this missense variant has a deleterious effect on protein structure/function; Has not been observed in patients with colorectal cancer or polyps to our knowledge, but has been reported in a control group (PMID: 30267214); This variant is associated with the following publications: (PMID: 18199528, 30267214)

Baylor Genetics
Classification: Uncertain significance for Familial adenomatous polyposis 1. Last evaluated: 2023-09-13. Review status: criteria provided, single submitter. Criteria: ACMG Guidelines, 2015. Collection method: clinical testing. Allele origin: unknown.

PreventionGenetics, part of Exact Sciences
Classification: Uncertain significance for APC-related condition. Last evaluated: 2023-08-01. Review status: criteria provided, single submitter. Criteria: ACMG Guidelines, 2015. Collection method: clinical testing. Allele origin: germline.
Comment: The APC c.67C>G variant is predicted to result in the amino acid substitution p.Leu23Val. To our knowledge, this variant has not been reported in the literature. This variant is reported in 0.0018% of alleles in individuals of European (Non-Finnish) descent in gnomAD and is interpreted as uncertain in ClinVar. At this time, the clinical significance of this variant is uncertain due to the absence of conclusive functional and genetic evidence.

Literature cited by the submitters: PubMed 30267214 (cited by Color Diagnostics, LLC DBA Color Health and Ambry Genetics).